The following is an entry in ClinVar:

NM_198282.4(STING1):c.343C>T (p.Pro115Ser)

Genes: STING1 (stimulator of interferon response cGAMP interactor 1; minus strand), LOC123522803 (Sharpr-MPRA regulatory region 11914; plus strand). Cytogenetic location: 5q31.2.
Variant type: single nucleotide variant.
Coding change: c.343C>T on transcript NM_198282.4 (MANE Select); coding-DNA position 343, C replaced by T.
Protein change: p.Pro115Ser; replaces proline 115 with serine.
Molecular consequence: missense variant. On other transcripts: 5 prime UTR variant (1).
Genome position (GRCh38, 1-based): chr5:139,481,227, G>A on the plus strand (C>T on the coding strand, the complement: STING1 is on the minus strand). VCF-style: chr5-139481227-G-A. GRCh37 (hg19) VCF-style: chr5-138860812-G-A.
Other names: c.343C>T, p.Pro115Ser (NM_001301738.2); c.-15C>T (NM_001367258.1); short protein forms P115S.
Identifiers: ClinVar variation 3686015 (VCV003686015.2).

ClinVar aggregate classification (germline): Uncertain significance (1 of 4 stars; one submission).

Conditions:
STING-associated vasculopathy with onset in infancy. Also called: Sting-associated vasculopathy, infantile-onset. Identifiers: Orphanet 425120, MedGen C4014722, MONDO:0014405, OMIM 615934.

Submission:

Labcorp Genetics (formerly Invitae), Labcorp
Classification: Uncertain significance for STING-associated vasculopathy with onset in infancy. Last evaluated: 2024-03-07. Review status: criteria provided, single submitter. Criteria: Invitae Variant Classification Sherloc (09022015). Collection method: clinical testing. Allele origin: germline.
Comment: This sequence change replaces proline, which is neutral and non-polar, with serine, which is neutral and polar, at codon 115 of the TMEM173 protein (p.Pro115Ser). This variant is not present in population databases (gnomAD no frequency). This variant has not been reported in the literature in individuals affected with TMEM173-related conditions. Advanced modeling of protein sequence and biophysical properties (such as structural, functional, and spatial information, amino acid conservation, physicochemical variation, residue mobility, and thermodynamic stability) performed at Invitae indicates that this missense variant is not expected to disrupt TMEM173 protein function with a negative predictive value of 80%. In summary, the available evidence is currently insufficient to determine the role of this variant in disease. Therefore, it has been classified as a Variant of Uncertain Significance.